The following is an entry in ClinVar:

ClinVar aggregate classification (germline): Uncertain significance (1 of 4 stars; one submission).

Allele frequency attached by ClinVar (database versions not stated): TOPMed below 0.00001; ExAC 0.00001; gnomAD 0.00001; ESP Exome Variant Server 0.00008.
gnomAD v4.1: 5 of 1,613,234 alleles (0.00031%); highest among the groups gnomAD compares: Non-Finnish European, 0.00042%; no homozygotes.

Submission:

Women's Health and Genetics/Laboratory Corporation of America, LabCorp
Classification: Uncertain significance. Last evaluated: 2024-04-11. Review status: criteria provided, single submitter. Criteria: LabCorp Variant Classification Summary - May 2015. Collection method: clinical testing. Allele origin: germline.
Comment: Variant summary: GATA3 c.*18A>G is located in the untranslated mRNA region downstream of the termination codon. The variant allele was found at a frequency of 4e-06 in 250548 control chromosomes (gnomAD). The available data on variant occurrences in the general population are insufficient to allow any conclusion about variant significance. To our knowledge, no occurrence of c.*18A>G in individuals affected with Hypoparathyroidism, Deafness, Renal Disease Syndrome and no experimental evidence demonstrating its impact on protein function have been reported. No submitters have cited clinical-significance assessments for this variant to ClinVar. Based on the evidence outlined above, the variant was classified as uncertain significance.

NM_001002295.2(GATA3):c.*18A>G

Gene: GATA3 (GATA binding protein 3; plus strand). Cytogenetic location: 10p14.
Variant type: single nucleotide variant.
Coding change: c.*18A>G on transcript NM_001002295.2 (MANE Select); 18 bases downstream of the stop codon, A replaced by G.
Molecular consequence: 3 prime UTR variant.
Genome position (GRCh38, 1-based): chr10:8,074,041, A>G. VCF-style: chr10-8074041-A-G. GRCh37 (hg19) VCF-style: chr10-8116004-A-G.
Other names: c.*18A>G (NM_002051.3).
Identifiers: ClinVar variation 3251347 (VCV003251347.1), dbSNP rs372517287.